The following is an entry in ClinVar:

ClinVar aggregate classification (germline): Benign/Likely benign. Review status: criteria provided, multiple submitters, no conflicts (2 of 4 stars). 3 submissions from 3 submitters: Benign (1); Likely benign (2). Last evaluated 2026-02-01.

Conditions:
Retinitis pigmentosa (RP). Identifiers: Orphanet 791, MedGen C0035334, MeSH D012174, MONDO:0019200, OMIM 268000. Inheritance: Autosomal dominant, autosomal recessive and X linked inheritance.

Allele frequency attached by ClinVar (database versions not stated): ExAC 0.00596; 1000 Genomes Project 0.01617; 1000 Genomes Project 30x 0.01686; gnomAD 0.01863 and 0.02002; TOPMed 0.02172; ESP Exome Variant Server 0.02222.
gnomAD v4.1: 5,732 of 1,614,172 alleles (0.36%); highest among the groups gnomAD compares: African/African-American, 6.6%; 167 homozygotes.

Submissions (3):

Labcorp Genetics (formerly Invitae), Labcorp
Classification: Benign. Last evaluated: 2026-02-01. Review status: criteria provided, single submitter. Criteria: Invitae Variant Classification Sherloc (09022015). Collection method: clinical testing. Allele origin: germline.

Illumina Laboratory Services, Illumina
Classification: Likely benign for Retinitis pigmentosa. Last evaluated: 2018-01-12. Review status: criteria provided, single submitter. Criteria: ICSL Variant Classification Criteria 13 December 2019. Collection method: clinical testing. Allele origin: germline.
Comment: This variant was observed in the ICSL laboratory as part of a predisposition screen in an ostensibly healthy population. It had not been previously curated by ICSL or reported in the Human Gene Mutation Database (HGMD: prior to June 1st, 2018), and was therefore a candidate for classification through an automated scoring system. Utilizing variant allele frequency, disease prevalence and penetrance estimates, and inheritance mode, an automated score was calculated to assess if this variant is too frequent to cause the disease. Based on the score and internal cut-off values, a variant classified as likely benign is not then subjected to further curation. The score for this variant resulted in a classification of likely benign for this disease.

Breakthrough Genomics
Classification: Likely benign. Review status: criteria provided, single submitter. Criteria: ACMG Guidelines, 2015. Collection method: not provided. Allele origin: germline. Inheritance: Autosomal recessive inheritance. Affected: yes.

NM_016247.4(IMPG2):c.1908T>C (p.Asp636=)

Gene: IMPG2 (interphotoreceptor matrix proteoglycan 2; minus strand). Cytogenetic location: 3q12.3.
Variant type: single nucleotide variant.
Coding change: c.1908T>C on transcript NM_016247.4 (MANE Select); coding-DNA position 1908, T replaced by C.
Protein change: p.Asp636=; no amino-acid change (aspartic acid 636 retained).
Molecular consequence: synonymous variant.
Genome position (GRCh38, 1-based): chr3:101,244,423, A>G on the plus strand (T>C on the coding strand, the complement: IMPG2 is on the minus strand). VCF-style: chr3-101244423-A-G. GRCh37 (hg19) VCF-style: chr3-100963267-A-G.
Identifiers: ClinVar variation 342347 (VCV000342347.16), dbSNP rs35648234, ClinGen allele CA2519071.
Genomic context (GRCh38, chr3:101,244,423, plus strand): 5'-ATCCATTTTGTCAACTAAAACTAGTTTCTTGTCTTCAATCTCAGCTGGCAAAAGTGAATC[A>G]TCATCTTCAAGCCACGGCTTGGACAGTGGTTCAGCGCTCTTCTCTGATGAAGTCTCACTC-3'
Protein context (NP_057331.2, residues 626-646): EPLSKPWLED[Asp636=]DSLLPAEIED